The following is an entry in ClinVar:

ClinVar aggregate classification (germline): Uncertain significance. Review status: criteria provided, multiple submitters, no conflicts (2 of 4 stars). 5 submissions from 5 submitters: Uncertain significance (4). 1 of the submissions does not count toward it. Last evaluated 2026-08-11.

Conditions:
Cohen syndrome (COH1). Also called: PEPPER SYNDROME; Cutis verticis gyrata, retinitis pigmentosa, and sensorineural deafness. Identifiers: Orphanet 193, MedGen C0265223, MONDO:0008999, OMIM 216550.
VPS13B-related disorder. Also called: VPS13B-related condition.
Inborn genetic diseases. Identifiers: MedGen C0950123, MeSH D030342.

Allele frequency attached by ClinVar (database versions not stated): ExAC 0.00001; gnomAD exomes 0.00002; TOPMed 0.00010; gnomAD 0.00014 and 0.00015.
gnomAD v4.1: 32 of 1,613,914 alleles (0.002%); highest among the groups gnomAD compares: African/African-American, 0.041%; no homozygotes.

Submissions (5):

PreventionGenetics, part of Exact Sciences
Classification: Uncertain significance for VPS13B-related condition. Last evaluated: 2026-08-11. Review status: criteria provided, single submitter. Criteria: ACMG Guidelines, 2015. Collection method: clinical testing. Allele origin: germline.
Comment: The VPS13B c.8104A>T variant is predicted to result in the amino acid substitution p.Ile2702Phe. To our knowledge, this variant has not been reported in the literature. This variant is reported in 0.048% of alleles in individuals of African descent in gnomAD. At this time, the clinical significance of this variant is uncertain due to the absence of conclusive functional and genetic evidence.

Ambry Genetics
Classification: Uncertain significance for Inborn genetic diseases. Last evaluated: 2025-10-22. Review status: criteria provided, single submitter. Criteria: Ambry Variant Classification Scheme 2023. Collection method: clinical testing. Allele origin: germline.

Labcorp Genetics (formerly Invitae), Labcorp
Classification: Uncertain significance for Cohen syndrome. Last evaluated: 2022-10-28. Review status: criteria provided, single submitter. Criteria: Invitae Variant Classification Sherloc (09022015). Collection method: clinical testing. Allele origin: germline.
Comment: This sequence change replaces isoleucine, which is neutral and non-polar, with phenylalanine, which is neutral and non-polar, at codon 2727 of the VPS13B protein (p.Ile2727Phe). This variant is present in population databases (rs774565889, gnomAD 0.05%). This variant has not been reported in the literature in individuals affected with VPS13B-related conditions. ClinVar contains an entry for this variant (Variation ID: 859679). Advanced modeling of protein sequence and biophysical properties (such as structural, functional, and spatial information, amino acid conservation, physicochemical variation, residue mobility, and thermodynamic stability) has been performed at Invitae for this missense variant, however the output from this modeling did not meet the statistical confidence thresholds required to predict the impact of this variant on VPS13B protein function. In summary, the available evidence is currently insufficient to determine the role of this variant in disease. Therefore, it has been classified as a Variant of Uncertain Significance.

Blueprint Genetics
Classification: Uncertain significance. Last evaluated: 2022-04-07. Review status: criteria provided, single submitter. Criteria: ACMG Guidelines, 2015. Collection method: clinical testing. Allele origin: germline.

Natera, Inc.
Classification: Uncertain significance for Cohen syndrome. Last evaluated: 2020-03-17. Review status: no assertion criteria provided. Collection method: clinical testing. Allele origin: germline. Not counted in ClinVar's aggregate classification.

NM_152564.5(VPS13B):c.8104A>T (p.Ile2702Phe)

Gene: VPS13B (vacuolar protein sorting 13 homolog B; plus strand). Cytogenetic location: 8q22.2.
Variant type: single nucleotide variant.
Coding change: c.8104A>T on transcript NM_152564.5 (MANE Select); coding-DNA position 8104, A replaced by T.
Protein change: p.Ile2702Phe; replaces isoleucine 2702 with phenylalanine.
Molecular consequence: missense variant.
Genome position (GRCh38, 1-based): chr8:99,817,546, A>T. VCF-style: chr8-99817546-A-T. GRCh37 (hg19) VCF-style: chr8-100829774-A-T.
Other names: c.8104A>T (NM_152564.4); c.8179A>T, p.Ile2727Phe (NM_017890.5); short protein forms I2702F, I2727F.
Identifiers: ClinVar variation 859679 (VCV000859679.11), dbSNP rs774565889, ClinGen allele CA4824392.
Genomic context (GRCh38, chr8:99,817,546, plus strand): 5'-TCCAGTTAATGAAGTCTGAATTGATGAAGCCTTATATACTTAACTGTCTTTTAGATTATC[A>T]TCTGTGGAAGACAGATCATCTGTAGTTACTTGTCTCAAAGCATAGAACTAAAAGTCGTTC-3'
Protein context (NP_689777.3, residues 2692-2712): QLNGVQKQII[Ile2702Phe]CGRQIICSYL